The following is an entry in ClinVar:

NM_052865.4(MGME1):c.165A>C (p.Leu55Phe)

Genes: MGME1 (mitochondrial genome maintenance exonuclease 1; plus strand), LOC126862983 (CDK7 strongly-dependent group 2 enhancer GRCh37_chr20:17950167-17951366; plus strand). Cytogenetic location: 20p11.23.
Variant type: single nucleotide variant.
Coding change: c.165A>C on transcript NM_052865.4 (MANE Select); coding-DNA position 165, A replaced by C.
Protein change: p.Leu55Phe; replaces leucine 55 with phenylalanine.
Molecular consequence: missense variant.
Genome position (GRCh38, 1-based): chr20:17,970,024, A>C. VCF-style: chr20-17970024-A-C. GRCh37 (hg19) VCF-style: chr20-17950667-A-C.
Other names: c.165A>C, p.Leu55Phe (NM_001310338.2, NM_001310339.2, NM_001363738.2); c.165A>C (NM_052865.2); short protein forms L55F.
Identifiers: ClinVar variation 2413720 (VCV002413720.5), dbSNP rs536457611, ClinGen allele CA9774889.
Genomic context (GRCh38, chr20:17,970,024, plus strand): 5'-TGGCCGGAAGAAAAAAGTGAACCCATATGAAGAAGTGGACCAAGAAAAATACTCTAATTT[A>C]GTTCAGTCTGTCTTGTCATCCAGAGGCGTCGCCCAGACCCCGGGATCGGTGGAGGAAGAT-3'
Protein context (NP_443097.1, residues 45-65): EEVDQEKYSN[Leu55Phe]VQSVLSSRGV

ClinVar aggregate classification (germline): Uncertain significance. Review status: criteria provided, multiple submitters, no conflicts (2 of 4 stars). 2 submissions from 2 submitters: Uncertain significance (2). Last evaluated 2025-01-26.

Conditions:
Inborn genetic diseases. Identifiers: MedGen C0950123, MeSH D030342.

Allele frequency attached by ClinVar (database versions not stated): gnomAD 0.00001; TOPMed 0.00005.
gnomAD v4.1: 15 of 1,614,068 alleles (0.00093%); highest among the groups gnomAD compares: Admixed American, 0.023%; no homozygotes.

Submissions (2):

Ambry Genetics
Classification: Uncertain significance for Inborn genetic diseases. Last evaluated: 2025-01-26. Review status: criteria provided, single submitter. Criteria: Ambry Variant Classification Scheme 2023. Collection method: clinical testing. Allele origin: germline.

Labcorp Genetics (formerly Invitae), Labcorp
Classification: Uncertain significance. Last evaluated: 2022-08-19. Review status: criteria provided, single submitter. Criteria: Invitae Variant Classification Sherloc (09022015). Collection method: clinical testing. Allele origin: germline.
Comment: This sequence change replaces leucine, which is neutral and non-polar, with phenylalanine, which is neutral and non-polar, at codon 55 of the MGME1 protein (p.Leu55Phe). This variant is present in population databases (rs536457611, gnomAD 0.03%). This variant has not been reported in the literature in individuals affected with MGME1-related conditions. Algorithms developed to predict the effect of missense changes on protein structure and function are either unavailable or do not agree on the potential impact of this missense change (SIFT: "Deleterious"; PolyPhen-2: "Probably Damaging"; Align-GVGD: "Class C15"). In summary, the available evidence is currently insufficient to determine the role of this variant in disease. Therefore, it has been classified as a Variant of Uncertain Significance.